The following is an entry in ClinVar:

NM_000291.4(PGK1):c.641+4T>C

Gene: PGK1 (phosphoglycerate kinase 1; plus strand). Cytogenetic location: Xq21.1.
Variant type: single nucleotide variant.
Coding change: c.641+4T>C on transcript NM_000291.4 (MANE Select); 4 bases into the intron after coding-DNA position 641, T replaced by C.
Molecular consequence: intron variant.
Genome position (GRCh38, 1-based): chrX:78,118,174, T>C. VCF-style: chrX-78118174-T-C. GRCh37 (hg19) VCF-style: chrX-77373671-T-C.
Identifiers: ClinVar variation 1503454 (VCV001503454.6), dbSNP rs2149134073, ClinGen allele CA2573159564.

ClinVar aggregate classification (germline): Uncertain significance (1 of 4 stars; one submission).

Submission:

Labcorp Genetics (formerly Invitae), Labcorp
Classification: Uncertain significance. Last evaluated: 2021-07-04. Review status: criteria provided, single submitter. Criteria: Invitae Variant Classification Sherloc (09022015). Collection method: clinical testing. Allele origin: germline.
Comment: This sequence change falls in intron 6 of the PGK1 gene. It does not directly change the encoded amino acid sequence of the PGK1 protein. It affects a nucleotide within the consensus splice site of the intron. This variant is not present in population databases (ExAC no frequency). This variant has not been reported in the literature in individuals affected with PGK1-related conditions. Nucleotide substitutions within the consensus splice site are a relatively common cause of aberrant splicing (PMID: 17576681, 9536098). Algorithms developed to predict the effect of sequence changes on RNA splicing suggest that this variant is not likely to affect RNA splicing. In summary, the available evidence is currently insufficient to determine the role of this variant in disease. Therefore, it has been classified as a Variant of Uncertain Significance.

Literature cited by the submitters: PubMed 17576681; PubMed 9536098.